The following is an entry in ClinVar:

NM_000077.5(CDKN2A):c.332G>A (p.Gly111Asp)

Gene: CDKN2A (cyclin dependent kinase inhibitor 2A; minus strand). Cytogenetic location: 9p21.3.
Variant type: single nucleotide variant.
Coding change: c.332G>A on transcript NM_000077.5; coding-DNA position 332, G replaced by A.
Protein change: p.Gly111Asp; replaces glycine 111 with aspartic acid.
Molecular consequence: missense variant (on NM_000077.6). On other transcripts: synonymous variant (1), 3 prime UTR variant (1).
Genome position (GRCh38, 1-based): chr9:21,971,027, C>T on the plus strand (G>A on the coding strand, the complement: CDKN2A is on the minus strand). VCF-style: chr9-21971027-C-T. GRCh37 (hg19) VCF-style: chr9-21971026-C-T.
Other names: c.332G>A, p.Gly111Asp (NM_000077.6, NM_001195132.2); c.179G>A, p.Gly60Asp (NM_001363763.2); c.375G>A, p.Gly125= (NM_058195.4); c.*255G>A (NM_058197.5); short protein forms G111D, G60D.
Identifiers: ClinVar variation 1416042 (VCV001416042.8), dbSNP rs2131093568, ClinGen allele CA373086044.

ClinVar aggregate classification (germline): Uncertain significance. Review status: criteria provided, multiple submitters, no conflicts (2 of 4 stars). 2 submissions from 2 submitters: Uncertain significance (2). Last evaluated 2024-02-17.

Conditions:
Hereditary cancer-predisposing syndrome. Also called: Tumor predisposition; Hereditary neoplastic syndrome; Neoplastic Syndromes, Hereditary; Hereditary Cancer Syndrome. Identifiers: Orphanet 140162, MedGen C0027672, MeSH D009386, MONDO:0015356.
Familial melanoma. Also called: Hereditary melanoma; Hereditary cutaneous melanoma. Identifiers: Orphanet 618, MedGen C1512419, MONDO:0018961.

Submissions (2):

Labcorp Genetics (formerly Invitae), Labcorp
Classification: Uncertain significance for Familial melanoma. Last evaluated: 2024-02-17. Review status: criteria provided, single submitter. Criteria: Invitae Variant Classification Sherloc (09022015). Collection method: clinical testing. Allele origin: germline.
Comment: This sequence change replaces glycine, which is neutral and non-polar, with aspartic acid, which is acidic and polar, at codon 111 of the CDKN2A (p16INK4a) protein (p.Gly111Asp). This variant is not present in population databases (gnomAD no frequency). This variant has not been reported in the literature in individuals affected with CDKN2A (p16INK4a)-related conditions. ClinVar contains an entry for this variant (Variation ID: 1416042). An algorithm developed to predict the effect of missense changes on protein structure and function (PolyPhen-2) suggests that this variant is likely to be tolerated. Experimental studies have shown that this missense change does not substantially affect CDKN2A (p16INK4a) function (PMID: 12606942). In summary, the available evidence is currently insufficient to determine the role of this variant in disease. Therefore, it has been classified as a Variant of Uncertain Significance.

Ambry Genetics
Classification: Uncertain significance for Hereditary cancer-predisposing syndrome. Last evaluated: 2020-04-21. Review status: criteria provided, single submitter. Criteria: Ambry Variant Classification Scheme 2023. Collection method: clinical testing. Allele origin: germline.
Comment: The p.G111D variant (also known as c.332G>A), located in coding exon 2 of the CDKN2A gene, results from a G to A substitution at nucleotide position 332. The glycine at codon 111 is replaced by aspartic acid, an amino acid with similar properties. This amino acid position is well conserved in available vertebrate species. In addition, the in silico prediction for this alteration is inconclusive. Since supporting evidence is limited at this time, the clinical significance of this alteration remains unclear.

Literature cited by the submitters: PubMed 12606942 (cited by Labcorp Genetics (formerly Invitae), Labcorp).